The following is an entry in ClinVar:

ClinVar aggregate classification (germline): Benign. Review status: reviewed by expert panel (3 of 4 stars). 3 submissions from 3 submitters: Benign (1). 2 of the submissions do not count toward it. Last evaluated 2026-06-23.

Conditions:
Deficiency of UDPglucose-hexose-1-phosphate uridylyltransferase. Also called: GALACTOSE-1-PHOSPHATE URIDYLYLTRANSFERASE DEFICIENCY; GALT deficiency; Galactosemia, classic; Transferase Deficiency Galactosemia; GALACTOSEMIA I. Identifiers: Orphanet 352, Orphanet 79239, MedGen C0268151, MONDO:0009258, OMIM 230400.
GALT POLYMORPHISM (LOS ANGELES, D1).
Galactosemia. Also called: Galactose intolerance. Identifiers: Orphanet 352, MedGen C0016952, MONDO:0018116, HP:0004919. Disease mechanism: loss of function.

Submissions (3):

Clingen Galactosemia Variant Curation Expert Panel, ClinGen
Classification: Benign for Galactosemia. Last evaluated: 2026-06-23. Review status: reviewed by expert panel. Criteria: ClinGen Galactosemia ACMG Specifications GALT V1.1. Collection method: curation. Allele origin: germline. Inheritance: Autosomal recessive inheritance.
Comment: The c.[652C>T;940A>G] p.[Leu218=;Asn314Asp] variant in GALT is a complex variant consisting of both the c.652C>T and c.940A>G variants occurring on the same allele. The c.652C>T variant is a synonymous (silent) variant (p.Leu218=) that is not predicted by SpliceAI to impact splicing. In addition, the c.940A>G variant is a missense variant predicted to cause substitution of asparagine by aspartic acid at amino acid 314 (p.Asn314Asp; p.[Leu218=;Asn314Asp]). This allele has been detected in cis (on the same allele) as c.1018G>T (p.Glu340Ter), a variant that is classified as pathogenic (Variation ID: 25318, BP2). The filtering allele frequencies of each individual variant in the complex variant, c.[652C>T;940A>G], in GALT is 0.1027 in the South Asian population for the c.652C>T variant and 0.1774 in the South Asian population for the c.940A>G variant in gnomAD v4.1.0, which is higher than the ClinGen Galactosemia VCEP threshold (≥ 0.01 or 1%) for BA1, and therefore meets this criterion (BA1). In summary, this variant meets the criteria to be classified as benign for galactosemia based on the ACMG/AMP criteria applied, as specified by the ClinGen Galactosemia VCEP: BA1, BP2 (GALT specifications v1.0.0).

GeneReviews
Classification: Benign for Deficiency of UDPglucose-hexose-1-phosphate uridylyltransferase. Last evaluated: 2021-03-09. Review status: no assertion criteria provided. Collection method: literature only. Allele origin: germline. Not counted in ClinVar's aggregate classification.
Comment: Duarte D1: rare biochemical (LA) variant with increased GALT enzyme activity

OMIM
Classification: Benign for GALT POLYMORPHISM (LOS ANGELES, D1). Last evaluated: 2009-05-01. Review status: no assertion criteria provided. Collection method: literature only. Allele origin: germline. Not counted in ClinVar's aggregate classification.

Literature cited by the submitters: PubMed 20301691 (cited by GeneReviews); PubMed 9012409 (cited by OMIM); PubMed 4759900 (cited by OMIM); PubMed 19224951 (cited by OMIM).

NM_000155.3(GALT):c.[652C>T;c.940A>G]

Variant type: Haplotype.
Identifiers: ClinVar variation 3620 (VCV000003620.4).